The following is an entry in ClinVar:

NM_000179.3(MSH6):c.1461G>C (p.Glu487Asp)

Gene: MSH6 (mutS homolog 6; plus strand). Cytogenetic location: 2p16.3.
Variant type: single nucleotide variant.
Coding change: c.1461G>C on transcript NM_000179.3 (MANE Select); coding-DNA position 1461, G replaced by C.
Protein change: p.Glu487Asp; replaces glutamic acid 487 with aspartic acid.
Molecular consequence: missense variant.
Genome position (GRCh38, 1-based): chr2:47,799,444, G>C. VCF-style: chr2-47799444-G-C. GRCh37 (hg19) VCF-style: chr2-48026583-G-C.
Other names: c.555G>C, p.Glu185Asp (NM_001281494.2, NM_001281493.2); c.1071G>C, p.Glu357Asp (NM_001281492.2); short protein forms E185D, E487D, E357D.
Identifiers: ClinVar variation 1401433 (VCV001401433.8), dbSNP rs1174736855, ClinGen allele CA346745791.
Genomic context (GRCh38, chr2:47,799,444, plus strand): 5'-CCGTTATTCAGATTCCCTGGTGCAGAAGGGCTATAAAGTAGCACGAGTGGAACAGACTGA[G>C]ACTCCAGAAATGATGGAGGCACGATGTAGAAAGATGGCACATATATCCAAGTATGATAGA-3'
Protein context (NP_000170.1, residues 477-497): GYKVARVEQT[Glu487Asp]TPEMMEARCR

ClinVar aggregate classification (germline): Uncertain significance (1 of 4 stars; one submission).

Conditions:
Hereditary nonpolyposis colorectal neoplasms. Identifiers: MedGen C0009405, MeSH D003123.

Submission:

Labcorp Genetics (formerly Invitae), Labcorp
Classification: Uncertain significance for Hereditary nonpolyposis colorectal neoplasms. Last evaluated: 2021-06-23. Review status: criteria provided, single submitter. Criteria: Invitae Variant Classification Sherloc (09022015). Collection method: clinical testing. Allele origin: germline.
Comment: In summary, the available evidence is currently insufficient to determine the role of this variant in disease. Therefore, it has been classified as a Variant of Uncertain Significance. Advanced modeling of protein sequence and biophysical properties (such as structural, functional, and spatial information, amino acid conservation, physicochemical variation, residue mobility, and thermodynamic stability) performed at Invitae indicates that this missense variant is expected to disrupt MSH6 protein function. This variant has not been reported in the literature in individuals with MSH6-related conditions. This variant is not present in population databases (ExAC no frequency). This sequence change replaces glutamic acid with aspartic acid at codon 487 of the MSH6 protein (p.Glu487Asp). The glutamic acid residue is highly conserved and there is a small physicochemical difference between glutamic acid and aspartic acid.